The following is an entry in ClinVar:

ClinVar aggregate classification (germline): Uncertain significance (1 of 4 stars; one submission).

Conditions:
Neuropathy, hereditary sensory and autonomic, type 2A (HSAN2A). Also called: WNK1-Related HSAN2 (HSAN2A); MORVAN DISEASE; NEUROPATHY, CONGENITAL SENSORY; NEUROPATHY, HEREDITARY SENSORY RADICULAR, AUTOSOMAL RECESSIVE; NEUROPATHY, HEREDITARY SENSORY, TYPE IIA; NEUROPATHY, PROGRESSIVE SENSORY, OF CHILDREN. Identifiers: Orphanet 970, MedGen C2752089, MONDO:0024309, OMIM 201300.
Generalized epilepsy with febrile seizures plus, type 7 (GEFSP7). Also called: GEFS+, TYPE 7. Identifiers: Orphanet 36387, MedGen C2751778, MONDO:0013470, OMIM 613863.

Submission:

Labcorp Genetics (formerly Invitae), Labcorp
Classification: Uncertain significance for Neuropathy, hereditary sensory and autonomic, type 2A; Generalized epilepsy with febrile seizures plus, type 7. Last evaluated: 2023-08-28. Review status: criteria provided, single submitter. Criteria: Invitae Variant Classification Sherloc (09022015). Collection method: clinical testing. Allele origin: germline.
Comment: This variant is not present in population databases (gnomAD no frequency). In summary, the available evidence is currently insufficient to determine the role of this variant in disease. Therefore, it has been classified as a Variant of Uncertain Significance. Advanced modeling of protein sequence and biophysical properties (such as structural, functional, and spatial information, amino acid conservation, physicochemical variation, residue mobility, and thermodynamic stability) performed at Invitae indicates that this missense variant is not expected to disrupt SCN9A protein function. ClinVar contains an entry for this variant (Variation ID: 1040594). This variant has not been reported in the literature in individuals affected with SCN9A-related conditions. This sequence change replaces aspartic acid, which is acidic and polar, with histidine, which is basic and polar, at codon 247 of the SCN9A protein (p.Asp247His).

NM_001365536.1(SCN9A):c.739G>C (p.Asp247His)

Gene: SCN9A (sodium voltage-gated channel alpha subunit 9; minus strand). Cytogenetic location: 2q24.3.
Variant type: single nucleotide variant.
Coding change: c.739G>C on transcript NM_001365536.1 (MANE Select); coding-DNA position 739, G replaced by C.
Protein change: p.Asp247His; replaces aspartic acid 247 with histidine.
Molecular consequence: missense variant.
Genome position (GRCh38, 1-based): chr2:166,303,252, C>G on the plus strand (G>C on the coding strand, the complement: SCN9A is on the minus strand). VCF-style: chr2-166303252-C-G. GRCh37 (hg19) VCF-style: chr2-167159762-C-G.
Other names: c.739G>C, p.Asp247His (NM_002977.4); short protein forms D247H.
Identifiers: ClinVar variation 1040594 (VCV001040594.9), dbSNP rs374102129, ClinGen allele CA349093054.